The following is an entry in ClinVar:

ClinVar aggregate classification (germline): Uncertain significance (1 of 4 stars; one submission).

Conditions:
Nephronophthisis. Also called: Juvenile Nephronophthisis. Identifiers: Orphanet 655, MedGen C0687120, MONDO:0019005, HP:0000090.

Allele frequency attached by ClinVar (database versions not stated): TOPMed 0.00001; gnomAD 0.00002.
gnomAD v4.1: 9 of 1,613,718 alleles (0.00056%); highest among the groups gnomAD compares: Non-Finnish European, 0.00076%; no homozygotes.

Submission:

Labcorp Genetics (formerly Invitae), Labcorp
Classification: Uncertain significance for Nephronophthisis. Last evaluated: 2022-03-26. Review status: criteria provided, single submitter. Criteria: Invitae Variant Classification Sherloc (09022015). Collection method: clinical testing. Allele origin: germline.
Comment: This sequence change replaces valine, which is neutral and non-polar, with glycine, which is neutral and non-polar, at codon 456 of the IQCB1 protein (p.Val456Gly). This variant is not present in population databases (gnomAD no frequency). This variant has not been reported in the literature in individuals affected with IQCB1-related conditions. Algorithms developed to predict the effect of missense changes on protein structure and function are either unavailable or do not agree on the potential impact of this missense change (SIFT: "Deleterious"; PolyPhen-2: "Benign"; Align-GVGD: "Class C0"). Algorithms developed to predict the effect of sequence changes on RNA splicing suggest that this variant may create or strengthen a splice site. In summary, the available evidence is currently insufficient to determine the role of this variant in disease. Therefore, it has been classified as a Variant of Uncertain Significance.

NM_001023570.4(IQCB1):c.1367T>G (p.Val456Gly)

Gene: IQCB1 (IQ motif containing B1; minus strand). Cytogenetic location: 3q13.33.
Variant type: single nucleotide variant.
Coding change: c.1367T>G on transcript NM_001023570.4 (MANE Select); coding-DNA position 1367, T replaced by G.
Protein change: p.Val456Gly; replaces valine 456 with glycine.
Molecular consequence: missense variant. On other transcripts: non-coding transcript variant (1).
Genome position (GRCh38, 1-based): chr3:121,781,786, A>C on the plus strand (T>G on the coding strand, the complement: IQCB1 is on the minus strand). VCF-style: chr3-121781786-A-C. GRCh37 (hg19) VCF-style: chr3-121500633-A-C.
Other names: c.968T>G, p.Val323Gly (NM_001023571.4); c.1367T>G, p.Val456Gly (NM_001319107.2); short protein forms V456G, V323G.
Identifiers: ClinVar variation 1495751 (VCV001495751.5), dbSNP rs1456257526, ClinGen allele CA354112465.